The following is an entry in ClinVar:

NM_000051.4(ATM):c.7785T>C (p.Asp2595=)

Genes: ATM (ATM serine/threonine kinase; plus strand), C11orf65 (chromosome 11 open reading frame 65; minus strand). Cytogenetic location: 11q22.3.
Variant type: single nucleotide variant.
Coding change: c.7785T>C on transcript NM_000051.4 (MANE Select); coding-DNA position 7785, T replaced by C.
Protein change: p.Asp2595=; no amino-acid change (aspartic acid 2595 retained).
Molecular consequence: synonymous variant. On other transcripts: intron variant (2).
Genome position (GRCh38, 1-based): chr11:108,332,034, T>C. VCF-style: chr11-108332034-T-C. GRCh37 (hg19) VCF-style: chr11-108202761-T-C.
Other names: c.7785T>C, p.Asp2595= (NM_001351834.2); c.641-22963A>G (NM_001330368.2); c.*38+3186A>G (NM_001351110.2).
Identifiers: ClinVar variation 135777 (VCV000135777.22), dbSNP rs34838175, ClinGen allele CA332357.

ClinVar aggregate classification (germline): Benign/Likely benign. Review status: criteria provided, multiple submitters, no conflicts (2 of 4 stars). 7 submissions from 7 submitters: Benign (1); Likely benign (5). 1 of the submissions does not count toward it. Last evaluated 2026-01-11.

Conditions:
Hereditary cancer-predisposing syndrome. Also called: Neoplastic Syndromes, Hereditary; Hereditary Cancer Syndrome; Tumor predisposition; Hereditary neoplastic syndrome. Identifiers: Orphanet 140162, MedGen C0027672, MeSH D009386, MONDO:0015356.
Familial cancer of breast. Also called: BREAST CANCER, FAMILIAL; hereditary breast carcinoma; Hereditary breast cancer. Identifiers: Orphanet 227535, MedGen C0346153, MONDO:0016419, OMIM 114480. Disease mechanism: loss of function.
Ataxia-telangiectasia syndrome (AT). Also called: Ataxia-telangiectasia, complementation group D; AT, COMPLEMENTATION GROUP C; Ataxia-telangiectasia; ATAXIA-TELANGIECTASIA, COMPLEMENTATION GROUP A; ATAXIA-TELANGIECTASIA, FRESNO VARIANT; Ataxia-telangiectasia, complementation group E. Identifiers: Orphanet 100, MedGen C0004135, MONDO:0008840, OMIM 208900.

Allele frequency attached by ClinVar (database versions not stated): gnomAD exomes below 0.00001 and 0.00005; TOPMed 0.00002.
gnomAD v4.1: 67 of 1,613,720 alleles (0.0042%); highest among the groups gnomAD compares: Non-Finnish European, 0.0057%; no homozygotes.

Submissions (7):

Labcorp Genetics (formerly Invitae), Labcorp
Classification: Likely benign for Ataxia-telangiectasia syndrome. Last evaluated: 2026-01-11. Review status: criteria provided, single submitter. Criteria: Invitae Variant Classification Sherloc (09022015). Collection method: clinical testing. Allele origin: germline.

Athena Diagnostics
Classification: Likely benign. Last evaluated: 2024-10-25. Review status: criteria provided, single submitter. Criteria: Athena Diagnostics Criteria. Collection method: clinical testing. Allele origin: unknown.

Myriad Genetics, Inc.
Classification: Benign for Familial cancer of breast. Last evaluated: 2024-06-17. Review status: criteria provided, single submitter. Criteria: Myriad Autosomal Dominant, Autosomal Recessive and X-Linked Classification Criteria (2023). Collection method: clinical testing. Allele origin: unknown.
Comment: This variant is considered benign. This variant is a silent/synonymous amino acid change and it is not expected to impact splicing.

GeneDx
Classification: Likely benign. Last evaluated: 2019-07-30. Review status: criteria provided, single submitter. Criteria: GeneDx Variant Classification Process June 2021. Collection method: clinical testing. Allele origin: germline. Affected: yes.

Color Diagnostics, LLC DBA Color Health
Classification: Likely benign for Hereditary cancer-predisposing syndrome. Last evaluated: 2017-08-21. Review status: criteria provided, single submitter. Criteria: ACMG Guidelines, 2015. Collection method: clinical testing. Allele origin: germline.

Ambry Genetics
Classification: Likely benign for Hereditary cancer-predisposing syndrome. Last evaluated: 2015-01-19. Review status: criteria provided, single submitter. Criteria: Ambry Variant Classification Scheme 2023. Collection method: clinical testing. Allele origin: germline.

Counsyl
Classification: Likely benign for Ataxia-telangiectasia syndrome. Last evaluated: 2017-09-12. Review status: no assertion criteria provided. Collection method: clinical testing. Allele origin: unknown. Not counted in ClinVar's aggregate classification.

Literature cited by the submitters: PubMed 28569743 (cited by Athena Diagnostics).